The following is an entry in ClinVar:

ClinVar aggregate classification (germline): Uncertain significance (1 of 4 stars; one submission).

gnomAD v4.1: 1 of 1,614,138 alleles (0.000062%); highest among the groups gnomAD compares: Non-Finnish European, 0.000085%; no homozygotes.

Submission:

GeneDx
Classification: Uncertain significance. Last evaluated: 2025-05-15. Review status: criteria provided, single submitter. Criteria: GeneDx Variant Classification Process June 2021. Collection method: clinical testing. Allele origin: germline. Affected: yes.
Comment: Not observed at significant frequency in large population cohorts (gnomAD); In silico analysis suggests that this missense variant does not alter protein structure/function; Has not been previously published as pathogenic or benign to our knowledge

NM_021224.6(ZNF462):c.4780A>C (p.Ile1594Leu)

Gene: ZNF462 (zinc finger protein 462; plus strand). Cytogenetic location: 9q31.2.
Variant type: single nucleotide variant.
Coding change: c.4780A>C on transcript NM_021224.6 (MANE Select); coding-DNA position 4780, A replaced by C.
Protein change: p.Ile1594Leu; replaces isoleucine 1594 with leucine.
Molecular consequence: missense variant. On other transcripts: intron variant (1).
Genome position (GRCh38, 1-based): chr9:106,928,692, A>C. VCF-style: chr9-106928692-A-C. GRCh37 (hg19) VCF-style: chr9-109690973-A-C.
Other names: c.3252+1528A>C (NM_001347997.2); short protein forms I1594L.
Identifiers: ClinVar variation 4529625 (VCV004529625.1).